The following is an entry in ClinVar:

NM_001754.5(RUNX1):c.136G>A (p.Ala46Thr)

Gene: RUNX1 (RUNX family transcription factor 1; minus strand). Cytogenetic location: 21q22.12.
Variant type: single nucleotide variant.
Coding change: c.136G>A on transcript NM_001754.5 (MANE Select); coding-DNA position 136, G replaced by A.
Protein change: p.Ala46Thr; replaces alanine 46 with threonine.
Molecular consequence: missense variant.
Genome position (GRCh38, 1-based): chr21:34,887,058, C>T on the plus strand (G>A on the coding strand, the complement: RUNX1 is on the minus strand). VCF-style: chr21-34887058-C-T. GRCh37 (hg19) VCF-style: chr21-36259355-C-T.
Other names: NM_001754.5(RUNX1):c.136G>A; p.Ala46Thr; c.55G>A, p.Ala19Thr (NM_001001890.3, NM_001122607.2); c.136G>A (NM_001754.4); short protein forms A19T, A46T.
Identifiers: ClinVar variation 1003215 (VCV001003215.10), dbSNP rs2058005288, ClinGen allele CA410204199.

ClinVar aggregate classification (germline): Uncertain significance. Review status: reviewed by expert panel (3 of 4 stars). 3 submissions from 3 submitters: Uncertain significance (1). 2 of the submissions do not count toward it. Last evaluated 2024-08-01.

Conditions:
Hereditary thrombocytopenia and hematological cancer predisposition syndrome associated with RUNX1. Also called: Familial thrombocytopenia with propensity to acute myelogenous leukemia; PLATELET DISORDER, ASPIRIN-LIKE; RUNX1 Familial Platelet Disorder with Associated Myeloid Malignancies; Familial Platelet Disorder with Propensity to Acute Myelogenous Leukemia. Identifiers: Orphanet 71290, MedGen C1832388, MeSH C563324, MONDO:0100083, OMIM 601399.
Inborn genetic diseases. Identifiers: MedGen C0950123, MeSH D030342.
Hereditary thrombocytopenia and hematologic cancer predisposition syndrome. Identifiers: Orphanet 71290, MedGen CN281654, MONDO:0011071.

Submissions (3):

ClinGen Myeloid Malignancy Variant Curation Expert Panel
Classification: Uncertain significance for Hereditary thrombocytopenia and hematologic cancer predisposition syndrome. Last evaluated: 2024-08-01. Review status: reviewed by expert panel. Criteria: ClinGen MyeloMalig ACMG Specifications v2. Collection method: curation. Allele origin: germline. Inheritance: Autosomal dominant inheritance.
Comment: NM_001754.5(RUNX1):c.136G>A (p.Ala46Thr) is a missense variant which is completely absent from all population databases with at least 20x coverage for RUNX1 in gnomAD v2.1.1 and v3.1.2 (PM2_supporting). This missense variant has a REVEL score <0.50 (0.387) and a SpliceAI score ≤0.20 (0) (BP4). ClinVar has one entry (Invitae, variation ID 1003215) for this variant, but the affected status is unknown. To our knowledge, this variant has not been reported in the literature in individuals affected with RUNX1-related conditions. In summary, the clinical significance of this variant is uncertain. ACMG/AMP criteria applied, as specified by the Myeloid Malignancy Variant Curation Expert Panel for RUNX1: PM2_supporting, BP4.

Ambry Genetics
Classification: Uncertain significance for Inborn genetic diseases. Last evaluated: 2025-11-07. Review status: criteria provided, single submitter. Criteria: Ambry Variant Classification Scheme 2023. Collection method: clinical testing. Allele origin: germline. Not counted in ClinVar's aggregate classification.
Comment: The p.A46T variant (also known as c.136G>A), located in coding exon 3 of the RUNX1 gene, results from a G to A substitution at nucleotide position 136. The alanine at codon 46 is replaced by threonine, an amino acid with similar properties. This amino acid position is conserved. In addition, the in silico prediction for this alteration is inconclusive. Based on the available evidence, the clinical significance of this variant remains unclear.

Labcorp Genetics (formerly Invitae), Labcorp
Classification: Uncertain significance for Hereditary thrombocytopenia and hematological cancer predisposition syndrome associated with RUNX1. Last evaluated: 2025-07-29. Review status: criteria provided, single submitter. Criteria: Invitae Variant Classification Sherloc (09022015). Collection method: clinical testing. Allele origin: germline. Not counted in ClinVar's aggregate classification.
Comment: This sequence change replaces alanine, which is neutral and non-polar, with threonine, which is neutral and polar, at codon 46 of the RUNX1 protein (p.Ala46Thr). This variant is not present in population databases (gnomAD no frequency). This variant has not been reported in the literature in individuals affected with RUNX1-related conditions. ClinVar contains an entry for this variant (Variation ID: 1003215). An algorithm developed to predict the effect of missense changes on protein structure and function outputs the following: PolyPhen-2: "Benign". The threonine amino acid residue is found in multiple mammalian species, which suggests that this missense change does not adversely affect protein function. In summary, the available evidence is currently insufficient to determine the role of this variant in disease. Therefore, it has been classified as a Variant of Uncertain Significance.